The following is an entry in ClinVar:

ClinVar aggregate classification (germline): Uncertain significance (1 of 4 stars; one submission).

Allele frequency attached by ClinVar (database versions not stated): TOPMed 0.00001.
gnomAD v4.1: 5 of 1,614,102 alleles (0.00031%); highest among the groups gnomAD compares: Non-Finnish European, 0.00042%; no homozygotes.

Submission:

Labcorp Genetics (formerly Invitae), Labcorp
Classification: Uncertain significance. Last evaluated: 2019-10-16. Review status: criteria provided, single submitter. Criteria: Invitae Variant Classification Sherloc (09022015). Collection method: clinical testing. Allele origin: germline.
Comment: This sequence change replaces asparagine with lysine at codon 277 of the CYP4V2 protein (p.Asn277Lys). The asparagine residue is weakly conserved and there is a moderate physicochemical difference between asparagine and lysine. This variant is not present in population databases (ExAC no frequency). This variant has not been reported in the literature in individuals with CYP4V2-related conditions. Algorithms developed to predict the effect of missense changes on protein structure and function output the following: SIFT: "Tolerated"; PolyPhen-2: "Benign"; Align-GVGD: "Class C0". The lysine amino acid residue is found in multiple mammalian species, suggesting that this missense change does not adversely affect protein function. These predictions have not been confirmed by published functional studies and their clinical significance is uncertain. In summary, the available evidence is currently insufficient to determine the role of this variant in disease. Therefore, it has been classified as a Variant of Uncertain Significance.

NM_207352.4(CYP4V2):c.831C>G (p.Asn277Lys)

Gene: CYP4V2 (cytochrome P450 family 4 subfamily V member 2; plus strand). Cytogenetic location: 4q35.2.
Variant type: single nucleotide variant.
Coding change: c.831C>G on transcript NM_207352.4 (MANE Select); coding-DNA position 831, C replaced by G.
Protein change: p.Asn277Lys; replaces asparagine 277 with lysine.
Molecular consequence: missense variant.
Genome position (GRCh38, 1-based): chr4:186,201,186, C>G. VCF-style: chr4-186201186-C-G. GRCh37 (hg19) VCF-style: chr4-187122340-C-G.
Other names: short protein forms N277K.
Identifiers: ClinVar variation 969379 (VCV000969379.9), dbSNP rs72646276, ClinGen allele CA358948231.